The following is an entry in ClinVar:

NM_000093.5(COL5A1):c.1595C>T (p.Ala532Val)

Gene: COL5A1 (collagen type V alpha 1 chain; plus strand). Cytogenetic location: 9q34.3.
Variant type: single nucleotide variant.
Coding change: c.1595C>T on transcript NM_000093.5 (MANE Select); coding-DNA position 1595, C replaced by T.
Protein change: p.Ala532Val; replaces alanine 532 with valine.
Molecular consequence: missense variant.
Genome position (GRCh38, 1-based): chr9:134,750,815, C>T. VCF-style: chr9-134750815-C-T. GRCh37 (hg19) VCF-style: chr9-137642661-C-T.
Other names: p.A532V:GCG>GTG; c.1595C>T, p.Ala532Val (NM_001278074.1); short protein forms A532V.
Identifiers: ClinVar variation 212936 (VCV000212936.25), dbSNP rs369000939, ClinGen allele CA324593.

ClinVar aggregate classification (germline): Conflicting classifications of pathogenicity. Review status: criteria provided, conflicting classifications (1 of 4 stars). 6 submissions from 6 submitters: Uncertain significance (4); Benign (1); Likely benign (1). Last evaluated 2026-07-01.

Conditions:
Fibromuscular dysplasia, multifocal. Identifiers: MedGen C5543412, MONDO:0859151, OMIM 619329.
Ehlers-Danlos syndrome, classic type, 1 (EDSCL1). Also called: EHLERS-DANLOS SYNDROME, GRAVIS TYPE; EHLERS-DANLOS SYNDROME, SEVERE CLASSIC TYPE; Ehlers-Danlos syndrome, type 1; Ehlers-Danlos Syndrome, Classic Type, COL5A1-Related; EDS I. Identifiers: MedGen C0268335, MONDO:0019567, OMIM 130000.
Familial thoracic aortic aneurysm and aortic dissection (TAAD). Also called: Thoracic aortic aneurysms and dissections. Identifiers: Orphanet 91387, MedGen C4707243, MONDO:0019625.

Allele frequency attached by ClinVar (database versions not stated): gnomAD 0.00003 and 0.00004; gnomAD exomes 0.00004; ExAC 0.00005; TOPMed 0.00006; ESP Exome Variant Server 0.00008.
gnomAD v4.1: 53 of 1,613,098 alleles (0.0033%); highest among the groups gnomAD compares: East Asian, 0.0045%; no homozygotes.

Submissions (6):

CeGaT Center for Human Genetics Tuebingen
Classification: Likely benign. Last evaluated: 2026-07-01. Review status: criteria provided, single submitter. Criteria: CeGaT Center For Human Genetics Tuebingen Variant Classification Criteria Version 2. Collection method: clinical testing. Allele origin: germline. Affected: yes. Observed: 1 variant allele.
Comment: COL5A1: BS2

Labcorp Genetics (formerly Invitae), Labcorp
Classification: Benign for Ehlers-Danlos syndrome, classic type, 1. Last evaluated: 2025-12-19. Review status: criteria provided, single submitter. Criteria: Invitae Variant Classification Sherloc (09022015). Collection method: clinical testing. Allele origin: germline.

Ambry Genetics
Classification: Uncertain significance for Familial thoracic aortic aneurysm and aortic dissection. Last evaluated: 2025-06-17. Review status: criteria provided, single submitter. Criteria: Ambry Variant Classification Scheme 2023. Collection method: clinical testing. Allele origin: germline.
Comment: The p.A532V variant (also known as c.1595C>T), located in coding exon 13 of the COL5A1 gene, results from a C to T substitution at nucleotide position 1595. The alanine at codon 532 is replaced by valine, an amino acid with similar properties. This amino acid position is well conserved in available vertebrate species. In addition, this alteration is predicted to be tolerated by in silico analysis. Since supporting evidence is limited at this time, the clinical significance of this alteration remains unclear.

GeneDx
Classification: Uncertain significance. Last evaluated: 2025-03-28. Review status: criteria provided, single submitter. Criteria: GeneDx Variant Classification Process June 2021. Collection method: clinical testing. Allele origin: germline. Affected: yes.
Comment: Has not been previously published as pathogenic or benign to our knowledge; In silico analysis indicates that this missense variant does not alter protein structure/function; This variant is associated with the following publications: (PMID: 22696272)

Women's Health and Genetics/Laboratory Corporation of America, LabCorp
Classification: Uncertain significance. Last evaluated: 2023-07-21. Review status: criteria provided, single submitter. Criteria: LabCorp Variant Classification Summary - May 2015. Collection method: clinical testing. Allele origin: germline.

Center for Genomics, Ann and Robert H. Lurie Children's Hospital of Chicago
Classification: Uncertain significance for Ehlers-Danlos syndrome, classic type, 1; Fibromuscular dysplasia, multifocal. Review status: criteria provided, single submitter. Criteria: ACMG Guidelines, 2015. Collection method: clinical testing. Allele origin: germline.
Comment: This variant has not been reported in the literature but is present in the Genome Aggregation Database (Highest reported MAF: 0.006% [7/112878]), and in ClinVar (Variation ID: 212936). Evolutionary conservation and computational prediction tools suggest that this variant may not impact the protein. In summary, data on this variant is insufficient for disease classification. Therefore, the clinical significance of this variant is uncertain.